The following is an entry in ClinVar:

ClinVar aggregate classification (germline): Benign. Review status: criteria provided, single submitter (1 of 4 stars). 2 submissions from 1 submitter: Benign (2). Last evaluated 2018-01-13.

Conditions:
Susceptibility to mononeuropathy of the median nerve, mild. Also called: CARPAL TUNNEL SYNDROME, SUSCEPTIBILITY TO. Identifiers: MedGen C3150596, MONDO:0013237, OMIM 613353.
Charcot-Marie-Tooth disease type 4C (CMT4C). Also called: CHARCOT-MARIE-TOOTH DISEASE, DEMYELINATING, TYPE 4C; SH3TC2-Related Hereditary Motor and Sensory Neuropathy; Charcot-Marie-Tooth Neuropathy Type 4C (CMT4C); CHARCOT-MARIE-TOOTH DISEASE, DEMYELINATING, AUTOSOMAL RECESSIVE, TYPE 4C; CMT 4C. Identifiers: Orphanet 99949, MedGen C1866636, MONDO:0011113, OMIM 601596.

Allele frequency attached by ClinVar (database versions not stated): gnomAD 0.00201 and 0.00271; TOPMed 0.00515; 1000 Genomes Project 30x 0.01218; 1000 Genomes Project 0.01378.
gnomAD v4.1: 412 of 152,314 alleles (0.27%); highest among the groups gnomAD compares: East Asian, 6.7%; 12 homozygotes.

Submissions (2):

Illumina Laboratory Services, Illumina
Classification: Benign for Charcot-Marie-Tooth disease type 4C. Last evaluated: 2018-01-13. Review status: criteria provided, single submitter. Criteria: ICSL Variant Classification Criteria 13 December 2019. Collection method: clinical testing. Allele origin: germline.
Comment: This variant was observed in the ICSL laboratory as part of a predisposition screen in an ostensibly healthy population. It had not been previously curated by ICSL or reported in the Human Gene Mutation Database (HGMD: prior to June 1st, 2018), and was therefore a candidate for classification through an automated scoring system. Utilizing variant allele frequency, disease prevalence and penetrance estimates, and inheritance mode, an automated score was calculated to assess if this variant is too frequent to cause the disease. Based on the score and internal cut-off values, a variant classified as benign is not then subjected to further curation. The score for this variant resulted in a classification of benign for this disease.

Illumina Laboratory Services, Illumina
Classification: Benign for Susceptibility to mononeuropathy of the median nerve, mild. Last evaluated: 2018-01-13. Review status: criteria provided, single submitter. Criteria: ICSL Variant Classification Criteria 13 December 2019. Collection method: clinical testing. Allele origin: germline.
Comment: the same text as in the submission from Illumina Laboratory Services, Illumina above.

NM_024577.4(SH3TC2):c.*4638A>T

Gene: SH3TC2 (SH3 domain and tetratricopeptide repeats 2; minus strand). Cytogenetic location: 5q32.
Variant type: single nucleotide variant.
Coding change: c.*4638A>T on transcript NM_024577.4 (MANE Select); 4638 bases downstream of the stop codon, A replaced by T.
Molecular consequence: 3 prime UTR variant.
Genome position (GRCh38, 1-based): chr5:149,000,073, T>A on the plus strand (A>T on the coding strand, the complement: SH3TC2 is on the minus strand). VCF-style: chr5-149000073-T-A. GRCh37 (hg19) VCF-style: chr5-148379636-T-A.
Identifiers: ClinVar variation 904684 (VCV000904684.4), dbSNP rs117883175, ClinGen allele CA128991791.